The following is an entry in ClinVar:

ClinVar aggregate classification (germline): Uncertain significance. Review status: criteria provided, multiple submitters, no conflicts (2 of 4 stars). 2 submissions from 2 submitters: Uncertain significance (2). Last evaluated 2020-05-14.

Conditions:
Ataxia-telangiectasia syndrome (AT). Also called: ATAXIA-TELANGIECTASIA, COMPLEMENTATION GROUP A; ATAXIA-TELANGIECTASIA, FRESNO VARIANT; Ataxia-telangiectasia, complementation group D; AT, COMPLEMENTATION GROUP C; Cerebello-oculocutaneous telangiectasia; Immunodeficiency with ataxia telangiectasia. Identifiers: Orphanet 100, MedGen C0004135, MONDO:0008840, OMIM 208900.

Submissions (2):

GeneDx
Classification: Uncertain significance. Last evaluated: 2020-05-14. Review status: criteria provided, single submitter. Criteria: GeneDx Variant Classification Process June 2021. Collection method: clinical testing. Allele origin: germline. Affected: yes.
Comment: Not observed in large population cohorts (Lek 2016); In silico analysis supports that this missense variant does not alter protein structure/function; Has not been previously published as pathogenic or benign to our knowledge

Labcorp Genetics (formerly Invitae), Labcorp
Classification: Uncertain significance for Ataxia-telangiectasia syndrome. Last evaluated: 2018-01-13. Review status: criteria provided, single submitter. Criteria: Invitae Variant Classification Sherloc (09022015). Collection method: clinical testing. Allele origin: germline.
Comment: In summary, the available evidence is currently insufficient to determine the role of this variant in disease. Therefore, it has been classified as a Variant of Uncertain Significance. Algorithms developed to predict the effect of sequence changes on RNA splicing suggest that this variant may create or strengthen a splice site, but this prediction has not been confirmed by published transcriptional studies. Algorithms developed to predict the effect of missense changes on protein structure and function (SIFT, PolyPhen-2, Align-GVGD) all suggest that this variant is likely to be tolerated, but these predictions have not been confirmed by published functional studies and their clinical significance is uncertain. This variant has not been reported in the literature in individuals with ATM-related disease. This variant is not present in population databases (ExAC no frequency). This sequence change replaces lysine with arginine at codon 764 of the ATM protein (p.Lys764Arg). The lysine residue is moderately conserved and there is a small physicochemical difference between lysine and arginine.

NM_000051.4(ATM):c.2291A>G (p.Lys764Arg)

Gene: ATM (ATM serine/threonine kinase; plus strand). Cytogenetic location: 11q22.3.
Variant type: single nucleotide variant.
Coding change: c.2291A>G on transcript NM_000051.4 (MANE Select); coding-DNA position 2291, A replaced by G.
Protein change: p.Lys764Arg; replaces lysine 764 with arginine.
Molecular consequence: missense variant.
Genome position (GRCh38, 1-based): chr11:108,257,521, A>G. VCF-style: chr11-108257521-A-G. GRCh37 (hg19) VCF-style: chr11-108128248-A-G.
Other names: c.2291A>G, p.Lys764Arg (NM_001351834.2); short protein forms K764R.
Identifiers: ClinVar variation 1045459 (VCV001045459.9), dbSNP rs2080576982, ClinGen allele CA382539720.